The following is an entry in ClinVar:

NM_015001.3(SPEN):c.337G>A (p.Gly113Arg)

Gene: SPEN (spen family transcriptional repressor; plus strand). Cytogenetic location: 1p36.21.
Variant type: single nucleotide variant.
Coding change: c.337G>A on transcript NM_015001.3 (MANE Select); coding-DNA position 337, G replaced by A.
Protein change: p.Gly113Arg; replaces glycine 113 with arginine.
Molecular consequence: missense variant.
Genome position (GRCh38, 1-based): chr1:15,873,069, G>A. VCF-style: chr1-15873069-G-A. GRCh37 (hg19) VCF-style: chr1-16199564-G-A.
Other names: short protein forms G113R.
Identifiers: ClinVar variation 4087983 (VCV004087983.2).
Genomic context (GRCh38, chr1:15,873,069, plus strand): 5'-GATACAGTTTCCATAGCATCTCGTAGTAGAGAGGTTTCTGGGTTCAGAGGAGGTGGTGGA[G>A]GGCCTGCTTATGGTCCCCCACCGTCACTTCATGCACGAGAAGGACGTTATGAGCGGAGAC-3'
Protein context (NP_055816.2, residues 103-123): EVSGFRGGGG[Gly113Arg]PAYGPPPSLH

ClinVar aggregate classification (germline): Uncertain significance (1 of 4 stars; one submission).

Submission:

GeneDx
Classification: Uncertain significance. Last evaluated: 2026-04-29. Review status: criteria provided, single submitter. Criteria: GeneDx Variant Classification Process June 2021. Collection method: clinical testing. Allele origin: germline.
Comment: Not observed at significant frequency in large population cohorts (gnomAD); In silico analysis supports that this missense variant has a deleterious effect on protein structure/function; Has not been previously published as pathogenic or benign to our knowledge